The following is an entry in ClinVar:

ClinVar aggregate classification (germline): Uncertain significance (1 of 4 stars; one submission).

Conditions:
Joubert syndrome. Also called: CEREBELLOPARENCHYMAL DISORDER IV; JOUBERT-BOLTSHAUSER SYNDROME; Familial aplasia of the vermis. Identifiers: Orphanet 475, MedGen C5979921, MONDO:0018772.
Nephronophthisis. Also called: Juvenile Nephronophthisis. Identifiers: Orphanet 655, MedGen C0687120, MONDO:0019005, HP:0000090.
Meckel-Gruber syndrome. Also called: DYSENCEPHALIA SPLANCHNOCYSTICA; GRUBER SYNDROME; Dysencephalia splachnocystica. Identifiers: Orphanet 564, MedGen C0265215, MONDO:0018921.

Submission:

Labcorp Genetics (formerly Invitae), Labcorp
Classification: Uncertain significance for Joubert syndrome; Meckel-Gruber syndrome; Nephronophthisis. Last evaluated: 2022-08-15. Review status: criteria provided, single submitter. Criteria: Invitae Variant Classification Sherloc (09022015). Collection method: clinical testing. Allele origin: germline.
Comment: Experimental studies and prediction algorithms are not available or were not evaluated, and the functional significance of this variant is currently unknown. In summary, the available evidence is currently insufficient to determine the role of this variant in disease. Therefore, it has been classified as a Variant of Uncertain Significance. This variant, c.194_196del, results in the deletion of 1 amino acid(s) of the CEP290 protein (p.Glu65del), but otherwise preserves the integrity of the reading frame. This variant is present in population databases (no rsID available, gnomAD 0.01%). This variant has not been reported in the literature in individuals affected with CEP290-related conditions.

NM_025114.4(CEP290):c.191AAG[1] (p.Glu65del)

Gene: CEP290 (centrosomal protein 290; minus strand). Cytogenetic location: 12q21.32.
Variant type: Microsatellite.
Coding change: c.191AAG[1] on transcript NM_025114.4 (MANE Select); one copy of the 3-base unit AAG starting at c.191; the reference has two copies in a row; one copy, 3 bases deleted.
Protein change: p.Glu65del; deletes glutamic acid 65.
Molecular consequence: inframe deletion.
Genome position (GRCh38, 1-based): chr12:88,139,549-88,139,551, CTT deleted on the plus strand (AAG on the coding strand, the reverse complement: CEP290 is on the minus strand); deleting any 3 consecutive bases within chr12:88,139,549-88,139,554 gives the same sequence; the position shown is the placement nearest the transcript's 3' end. VCF-style (leftmost placement, unchanged base first): chr12-88139548-ACTT-A. GRCh37 (hg19) VCF-style: chr12-88533325-ACTT-A.
Other names: short protein forms E65del.
Identifiers: ClinVar variation 1426423 (VCV001426423.8), dbSNP rs1312256490, ClinGen allele CA606455749.